The following is an entry in ClinVar:

ClinVar aggregate classification (germline): Uncertain significance (1 of 4 stars; one submission).

Submission:

Labcorp Genetics (formerly Invitae), Labcorp
Classification: Uncertain significance. Last evaluated: 2024-04-29. Review status: criteria provided, single submitter. Criteria: Invitae Variant Classification Sherloc (09022015). Collection method: clinical testing. Allele origin: germline.
Comment: This sequence change creates a premature translational stop signal (p.Arg215Leufs*26) in the HOXB13 gene. While this is not anticipated to result in nonsense mediated decay, it is expected to disrupt the last 70 amino acid(s) of the HOXB13 protein. This variant is not present in population databases (gnomAD no frequency). This variant has not been reported in the literature in individuals affected with HOXB13-related conditions. Experimental studies and prediction algorithms are not available or were not evaluated, and the functional significance of this variant is currently unknown. In summary, the available evidence is currently insufficient to determine the role of this variant in disease. Therefore, it has been classified as a Variant of Uncertain Significance.

NM_006361.6(HOXB13):c.635_641dup (p.Arg215fs)

Gene: HOXB13 (homeobox B13; minus strand). Cytogenetic location: 17q21.32.
Variant type: Duplication.
Coding change: c.635_641dup on transcript NM_006361.6 (MANE Select); coding-DNA positions 635 to 641, 7 bases duplicated (CCTTTCG; older notation c.635_641dupCCTTTCG).
Protein change: p.Arg215fs; shifts the reading frame from arginine 215.
Molecular consequence: frameshift variant.
Genome position (GRCh38, 1-based): chr17:48,727,004-48,727,010, CGAAAGG duplicated on the plus strand (CCTTTCG on the coding strand, the reverse complement: HOXB13 is on the minus strand); duplicating any 7 consecutive bases within chr17:48,727,004-48,727,012 gives the same sequence; the c. name uses the placement nearest the transcript's 3' end. VCF-style (leftmost placement, unchanged base first): chr17-48727003-A-ACGAAAGG. GRCh37 (hg19) VCF-style: chr17-46804365-A-ACGAAAGG.
Other names: short protein forms R215fs.
Identifiers: ClinVar variation 3651546 (VCV003651546.2).
Genomic context (GRCh38, chr17:48,727,003, plus strand): 5'-CTCCCGCTCCAGCTCCCGCAACTGCCCCTTGCTGTACGGAATGCGTTTCTTGCGGCCGCG[A>ACGAAAGG]CGAAAGGCGCAGGCGTCAGGAGGGTGCTGCCCGCTGGAGTCTGCGCGGCGTGAAAGGGAG-3'